The following is an entry in ClinVar:

ClinVar aggregate classification (germline): Pathogenic (1 of 4 stars; one submission).

Conditions:
Familial thoracic aortic aneurysm and aortic dissection (TAAD). Also called: Thoracic aortic aneurysms and dissections. Identifiers: Orphanet 91387, MedGen C4707243, MONDO:0019625.
Marfan syndrome (MFS). Also called: FBN1-Related Marfan Syndrome; Marfan's syndrome; MARFAN SYNDROME, TYPE I; Marfan syndrome type 1; Marfan syndrome, classic. Identifiers: Orphanet 284963, Orphanet 558, MedGen C0024796, MONDO:0007947, OMIM 154700.

Submission:

Labcorp Genetics (formerly Invitae), Labcorp
Classification: Pathogenic for Marfan syndrome; Familial thoracic aortic aneurysm and aortic dissection. Last evaluated: 2019-02-25. Review status: criteria provided, single submitter. Criteria: Invitae Variant Classification Sherloc (09022015). Collection method: clinical testing. Allele origin: germline.
Comment: This variant is an in-frame deletion of the genomic region encompassing exons 14-15 of the FBN1 gene. It preserves the integrity of the reading frame. This variant has not been reported in the literature in individuals with FBN1-related conditions. This variant affects cysteine residues in the EGF-like, TGFBP or hybrid motif domains of FBN1. Cysteine residues are believed to be involved in intramolecular disulfide bridges and have been shown to be important for FBN1 protein structure (PMID: 16905551, 19349279). In addition, missense substitutions affecting cysteine residues within these domains are significantly overrepresented among patients with Marfan syndrome (PMID: 16571647, 17701892). For these reasons, this variant has been classified as Pathogenic.

Literature cited by the submitters: PubMed 17701892; PubMed 16571647; PubMed 19349279; PubMed 16905551.

NC_000015.10:g.(?_48508572)_(48510179_?)del

Gene: FBN1 (fibrillin 1; minus strand). Cytogenetic location: 15q21.1.
Variant type: Deletion.
Identifiers: ClinVar variation 833378 (VCV000833378.1).